The following is an entry in ClinVar:

NM_000726.5(CACNB4):c.610del (p.Gln204fs)

Gene: CACNB4 (calcium voltage-gated channel auxiliary subunit beta 4; minus strand). Cytogenetic location: 2q23.3.
Variant type: Deletion.
Coding change: c.610del on transcript NM_000726.5 (MANE Select); coding-DNA position 610, one base deleted (C; older notation c.610delC).
Protein change: p.Gln204fs; shifts the reading frame from glutamine 204.
Molecular consequence: frameshift variant. On other transcripts: intron variant (4).
Genome position (GRCh38, 1-based): chr2:151,870,850, G deleted on the plus strand (C on the coding strand, the reverse complement: CACNB4 is on the minus strand). VCF-style (leftmost placement, unchanged base first): chr2-151870849-TG-T. GRCh37 (hg19) VCF-style: chr2-152727363-TG-T.
Other names: c.556del, p.Gln186fs (NM_001005746.4); c.508del, p.Gln170fs (NM_001005747.4); c.610delC, p.Gln204Lysfs (NM_001145798.3); c.469del, p.Gln157fs (NM_001320722.3); c.52del, p.Gln18fs (NM_001330117.2); c.469delC, p.Gln157Lysfs (NM_001330118.2); c.545-239del (NM_001330113.2); c.497-239del (NM_001330115.2); and 2 more; short protein forms Q170fs, Q18fs, Q157fs, Q186fs, Q204fs.
Identifiers: ClinVar variation 374311 (VCV000374311.1), dbSNP rs1057518688, ClinGen allele CA16043649.
Genomic context (GRCh38, chr2:151,870,849, plus strand): 5'-GCATGTATATATAGGAACCTTAACAGTAGATTTAAAAAGGAAACACAACTTACCACTTTT[TG>T]CTTCTGTTTTGCTAAAAGACAATAACGAGAGCCATATCAAAATATGTAAACTCTGCAAAT-3'

ClinVar aggregate classification (germline): Pathogenic (0 of 4 stars; one submission).

Conditions:
Epilepsy, idiopathic generalized, susceptibility to, 9. Identifiers: Orphanet 307, MedGen C2750887, MONDO:0011892, OMIM 607682.

Submission:

Baylor Genetics
Classification: Pathogenic for Epilepsy, idiopathic generalized, susceptibility to, 9. Last evaluated: 2016-05-01. Review status: no assertion criteria provided. Collection method: clinical testing. Allele origin: paternal. Inheritance: Autosomal dominant inheritance. Affected: yes.